The following is an entry in ClinVar:

ClinVar aggregate classification (germline): Uncertain significance (1 of 4 stars; one submission).

Submission:

GeneDx
Classification: Uncertain significance. Last evaluated: 2022-03-08. Review status: criteria provided, single submitter. Criteria: GeneDx Variant Classification Process June 2021. Collection method: clinical testing. Allele origin: germline. Affected: yes.
Comment: Has not been previously published as pathogenic or benign to our knowledge; Not observed at significant frequency in large population cohorts (gnomAD); In silico analysis supports that this missense variant has a deleterious effect on protein structure/function

NM_001875.5(CPS1):c.3576C>G (p.Ile1192Met)

Gene: CPS1 (carbamoyl-phosphate synthase 1; plus strand). Cytogenetic location: 2q34.
Variant type: single nucleotide variant.
Coding change: c.3576C>G on transcript NM_001875.5 (MANE Select); coding-DNA position 3576, C replaced by G.
Protein change: p.Ile1192Met; replaces isoleucine 1192 with methionine.
Molecular consequence: missense variant. On other transcripts: non-coding transcript variant (2).
Genome position (GRCh38, 1-based): chr2:210,656,542, C>G. VCF-style: chr2-210656542-C-G. GRCh37 (hg19) VCF-style: chr2-211521266-C-G.
Other names: c.3576C>G, p.Ile1192Met (NM_001122633.3, NM_001369257.1); c.3609C>G, p.Ile1203Met (NM_001369256.1); short protein forms I1192M, I1203M.
Identifiers: ClinVar variation 1704988 (VCV001704988.2), dbSNP rs1204885910, ClinGen allele CA350437671.